The following is an entry in ClinVar:

NM_006030.4(CACNA2D2):c.1573A>G (p.Met525Val)

Gene: CACNA2D2 (calcium voltage-gated channel auxiliary subunit alpha2delta 2; minus strand). Cytogenetic location: 3p21.31.
Variant type: single nucleotide variant.
Coding change: c.1573A>G on transcript NM_006030.4 (MANE Select); coding-DNA position 1573, A replaced by G.
Protein change: p.Met525Val; replaces methionine 525 with valine.
Molecular consequence: missense variant.
Genome position (GRCh38, 1-based): chr3:50,377,520, T>C on the plus strand (A>G on the coding strand, the complement: CACNA2D2 is on the minus strand). VCF-style: chr3-50377520-T-C. GRCh37 (hg19) VCF-style: chr3-50414951-T-C.
Other names: c.1366A>G, p.Met456Val (NM_001291101.1); c.1573A>G, p.Met525Val (NM_001005505.3, NM_001174051.3); short protein forms M456V, M525V.
Identifiers: ClinVar variation 936818 (VCV000936818.7), dbSNP rs765442855, ClinGen allele CA2418808.
Genomic context (GRCh38, chr3:50,377,520, plus strand): 5'-TGCTCACCGTGTAGTTGGGGGTCAGCCTCTTGATGTCATTCAGAGCCACGTCAATGCCCA[T>C]CACGCCCAGGATCAGCTGGTTCTGGGAGCAGAAGCATGGGGGGCTCCTCAGTGAGCTCAA-3'
Protein context (NP_006021.2, residues 515-535): EKKNQLILGV[Met525Val]GIDVALNDIK

ClinVar aggregate classification (germline): Uncertain significance (1 of 4 stars; one submission).

Conditions:
Early-infantile DEE. Also called: Early infantile epileptic encephalopathy; Ohtahara syndrome; Early infantile epileptic encephalopathy with suppression bursts. Identifiers: Orphanet 1934, MedGen C0393706, MONDO:0800491.

Allele frequency attached by ClinVar (database versions not stated): ExAC 0.00001; gnomAD exomes 0.00001.
gnomAD v4.1: 13 of 1,613,332 alleles (0.00081%); highest among the groups gnomAD compares: South Asian, 0.0011%; no homozygotes.

Submission:

Labcorp Genetics (formerly Invitae), Labcorp
Classification: Uncertain significance for Early-infantile DEE. Last evaluated: 2022-03-23. Review status: criteria provided, single submitter. Criteria: Invitae Variant Classification Sherloc (09022015). Collection method: clinical testing. Allele origin: germline.
Comment: In summary, the available evidence is currently insufficient to determine the role of this variant in disease. Therefore, it has been classified as a Variant of Uncertain Significance. Algorithms developed to predict the effect of sequence changes on RNA splicing suggest that this variant may create or strengthen a splice site. Algorithms developed to predict the effect of missense changes on protein structure and function are either unavailable or do not agree on the potential impact of this missense change (SIFT: "Deleterious"; PolyPhen-2: "Benign"; Align-GVGD: "Class C0"). ClinVar contains an entry for this variant (Variation ID: 936818). This variant has not been reported in the literature in individuals affected with CACNA2D2-related conditions. This variant is present in population databases (rs765442855, gnomAD 0.003%). This sequence change replaces methionine, which is neutral and non-polar, with valine, which is neutral and non-polar, at codon 525 of the CACNA2D2 protein (p.Met525Val).